The following is an entry in ClinVar:

NM_002474.3(MYH11):c.5572G>T (p.Val1858Leu)

Genes: MYH11 (myosin heavy chain 11; minus strand), NDE1 (nudE neurodevelopment protein 1; plus strand). Cytogenetic location: 16p13.11.
Variant type: single nucleotide variant.
Coding change: c.5572G>T on transcript NM_002474.3 (MANE Select); coding-DNA position 5572, G replaced by T.
Protein change: p.Val1858Leu; replaces valine 1858 with leucine.
Molecular consequence: missense variant. On other transcripts: intron variant (2).
Genome position (GRCh38, 1-based): chr16:15,715,205, C>A on the plus strand (G>T on the coding strand, the complement: MYH11 is on the minus strand). VCF-style: chr16-15715205-C-A. GRCh37 (hg19) VCF-style: chr16-15809062-C-A.
Other names: c.5593G>T, p.Val1865Leu (NM_001040113.2, NM_001040114.2); c.5572G>T, p.Val1858Leu (NM_022844.3); c.948-8986C>A (NM_001143979.2, NM_017668.3); short protein forms V1858L, V1865L.
Identifiers: ClinVar variation 927726 (VCV000927726.5), dbSNP rs1436778681, ClinGen allele CA394847351.

ClinVar aggregate classification (germline): Uncertain significance (1 of 4 stars; one submission).

Conditions:
Familial thoracic aortic aneurysm and aortic dissection (TAAD). Also called: Thoracic aortic aneurysms and dissections. Identifiers: Orphanet 91387, MedGen C4707243, MONDO:0019625.

Allele frequency attached by ClinVar (database versions not stated): gnomAD exomes below 0.00001; TOPMed below 0.00001; gnomAD 0.00001.
gnomAD v4.1: 2 of 1,613,994 alleles (0.00012%); highest among the groups gnomAD compares: Non-Finnish European, 0.00017%; no homozygotes.

Submission:

Color Diagnostics, LLC DBA Color Health
Classification: Uncertain significance for Familial thoracic aortic aneurysm and aortic dissection. Last evaluated: 2023-12-04. Review status: criteria provided, single submitter. Criteria: ACMG Guidelines, 2015. Collection method: clinical testing. Allele origin: germline.
Comment: Variant of Uncertain Significance due to insufficient evidence: This missense variant is located in the coiled coil myosin tail domain of the MYH11 protein. Computational prediction tools and conservation analyses are inconclusive regarding the impact of this variant on the protein function. Computational splicing tools suggest that this variant may not impact RNA splicing. To our knowledge, functional assays have not been performed for this variant nor has this variant been reported in individuals affected with cardiovascular disorders in the literature. This variant is rare in the general population and has been identified in 0/277264 chromosomes by the Genome Aggregation Database (gnomAD). Available evidence is insufficient to determine the pathogenicity of this variant conclusively.